The following is an entry in ClinVar:

NM_001365951.3(KIF1B):c.1362G>C (p.Leu454Phe)

Gene: KIF1B (kinesin family member 1B; plus strand). Cytogenetic location: 1p36.22.
Variant type: single nucleotide variant.
Coding change: c.1362G>C on transcript NM_001365951.3 (MANE Select); coding-DNA position 1362, G replaced by C.
Protein change: p.Leu454Phe; replaces leucine 454 with phenylalanine.
Molecular consequence: missense variant.
Genome position (GRCh38, 1-based): chr1:10,282,461, G>C. VCF-style: chr1-10282461-G-C. GRCh37 (hg19) VCF-style: chr1-10342519-G-C.
Other names: c.1362G>C, p.Leu454Phe (NM_001365952.1); c.1224G>C, p.Leu408Phe (NM_001365953.1, NM_015074.3, NM_183416.4); short protein forms L408F, L454F.
Identifiers: ClinVar variation 1415613 (VCV001415613.6), dbSNP rs2102232805, ClinGen allele CA338336393.
Genomic context (GRCh38, chr1:10,282,461, plus strand): 5'-ATCCATGGGGTCCCTCACTTCATCCCCATCTTCCTGCTCACTCAGTAGTCAGGTGGGCTT[G>C]ACGTCTGTGACCAGTATTCAAGAGAGGATCATGTCTACACCTGGAGGAGAGGAAGCTATT-3'
Protein context (NP_001352880.1, residues 444-464): SSCSLSSQVG[Leu454Phe]TSVTSIQERI

ClinVar aggregate classification (germline): Uncertain significance (1 of 4 stars; one submission).

Conditions:
Charcot-Marie-Tooth disease type 2. Also called: Charcot-Marie-Tooth type 2. Identifiers: Orphanet 64746, MedGen C0270914, MONDO:0018993.

Submission:

Labcorp Genetics (formerly Invitae), Labcorp
Classification: Uncertain significance for Charcot-Marie-Tooth disease type 2. Last evaluated: 2021-11-05. Review status: criteria provided, single submitter. Criteria: Invitae Variant Classification Sherloc (09022015). Collection method: clinical testing. Allele origin: germline.
Comment: This sequence change replaces leucine, which is neutral and non-polar, with phenylalanine, which is neutral and non-polar, at codon 408 of the KIF1B protein (p.Leu408Phe). This variant is not present in population databases (gnomAD no frequency). This variant has not been reported in the literature in individuals affected with KIF1B-related conditions. Algorithms developed to predict the effect of missense changes on protein structure and function are either unavailable or do not agree on the potential impact of this missense change (SIFT: "Deleterious"; PolyPhen-2: "Benign"; Align-GVGD: "Class C0"). In summary, the available evidence is currently insufficient to determine the role of this variant in disease. Therefore, it has been classified as a Variant of Uncertain Significance.